The following is an entry in ClinVar:

NM_006269.2(RP1):c.3934G>A (p.Asp1312Asn)

Gene: RP1 (RP1 axonemal microtubule associated; plus strand). Cytogenetic location: 8q12.1.
Variant type: single nucleotide variant.
Coding change: c.3934G>A on transcript NM_006269.2 (MANE Select); coding-DNA position 3934, G replaced by A.
Protein change: p.Asp1312Asn; replaces aspartic acid 1312 with asparagine.
Molecular consequence: missense variant. On other transcripts: intron variant (1).
Genome position (GRCh38, 1-based): chr8:54,627,816, G>A. VCF-style: chr8-54627816-G-A. GRCh37 (hg19) VCF-style: chr8-55540376-G-A.
Other names: c.787+5528G>A (NM_001375654.1); short protein forms D1312N.
Identifiers: ClinVar variation 1718368 (VCV001718368.5), dbSNP rs2536581823, ClinGen allele CA370980748.

ClinVar aggregate classification (germline): Uncertain significance (1 of 4 stars; one submission).

Allele frequency attached by ClinVar (database versions not stated): gnomAD exomes below 0.00001.
gnomAD v4.1: 1 of 1,614,136 alleles (0.000062%); highest among the groups gnomAD compares: Non-Finnish European, 0.000085%; no homozygotes.

Submission:

Labcorp Genetics (formerly Invitae), Labcorp
Classification: Uncertain significance. Last evaluated: 2022-08-30. Review status: criteria provided, single submitter. Criteria: Invitae Variant Classification Sherloc (09022015). Collection method: clinical testing. Allele origin: germline.
Comment: In summary, the available evidence is currently insufficient to determine the role of this variant in disease. Therefore, it has been classified as a Variant of Uncertain Significance. This sequence change replaces aspartic acid, which is acidic and polar, with asparagine, which is neutral and polar, at codon 1312 of the RP1 protein (p.Asp1312Asn). This variant is not present in population databases (gnomAD no frequency). This variant has not been reported in the literature in individuals affected with RP1-related conditions. Algorithms developed to predict the effect of missense changes on protein structure and function output the following: SIFT: "Tolerated"; PolyPhen-2: "Benign"; Align-GVGD: "Class C0". The asparagine amino acid residue is found in multiple mammalian species, which suggests that this missense change does not adversely affect protein function.